The following is an entry in ClinVar:

ClinVar aggregate classification (germline): Benign. Review status: criteria provided, multiple submitters, no conflicts (2 of 4 stars). 4 submissions from 4 submitters: Benign (3). 1 of the submissions does not count toward it. Last evaluated 2017-12-13.

Allele frequency attached by ClinVar (database versions not stated): gnomAD 0.00532 and 0.00569; TOPMed 0.00595; 1000 Genomes Project 0.00639; ESP Exome Variant Server 0.00700; 1000 Genomes Project 30x 0.00734.
gnomAD v4.1: 1,656 of 1,613,986 alleles (0.1%); highest among the groups gnomAD compares: African/African-American, 1.9%; 19 homozygotes.

Submissions (4):

Labcorp Genetics (formerly Invitae), Labcorp
Classification: Benign. Last evaluated: 2017-12-13. Review status: criteria provided, single submitter. Criteria: Invitae Variant Classification Sherloc (09022015). Collection method: clinical testing. Allele origin: germline.

GeneDx
Classification: Benign. Last evaluated: 2014-04-23. Review status: criteria provided, single submitter. Criteria: GeneDx Variant Classification (06012015). Collection method: clinical testing. Allele origin: germline. Affected: yes.
Comment: This variant is considered likely benign or benign based on one or more of the following criteria: it is a conservative change, it occurs at a poorly conserved position in the protein, it is predicted to be benign by multiple in silico algorithms, and/or has population frequency not consistent with disease.

Breakthrough Genomics
Classification: Benign. Review status: criteria provided, single submitter. Criteria: ACMG Guidelines, 2015. Collection method: not provided. Allele origin: germline. Inheritance: Unknown mechanism. Affected: yes.

Mayo Clinic Laboratories, Mayo Clinic
Classification: Likely benign. Last evaluated: 2017-09-15. Review status: no assertion criteria provided. Collection method: clinical testing. Allele origin: unknown. Not counted in ClinVar's aggregate classification.

NM_006351.4(TIMM44):c.69A>G (p.Gln23=)

Gene: TIMM44 (translocase of inner mitochondrial membrane 44; minus strand). Cytogenetic location: 19p13.2.
Variant type: single nucleotide variant.
Coding change: c.69A>G on transcript NM_006351.4 (MANE Select); coding-DNA position 69, A replaced by G.
Protein change: p.Gln23=; no amino-acid change (glutamine 23 retained).
Molecular consequence: synonymous variant.
Genome position (GRCh38, 1-based): chr19:7,941,174, T>C on the plus strand (A>G on the coding strand, the complement: TIMM44 is on the minus strand). VCF-style: chr19-7941174-T-C. GRCh37 (hg19) VCF-style: chr19-8006059-T-C.
Other names: p.Q23Q:CAA>CAG.
Identifiers: ClinVar variation 137652 (VCV000137652.9), dbSNP rs35992331, ClinGen allele CA291301.